The following is an entry in ClinVar:

NM_000428.3(LTBP2):c.5195T>C (p.Leu1732Pro)

Gene: LTBP2 (latent transforming growth factor beta binding protein 2; minus strand). Cytogenetic location: 14q24.3.
Variant type: single nucleotide variant.
Coding change: c.5195T>C on transcript NM_000428.3 (MANE Select); coding-DNA position 5195, T replaced by C.
Protein change: p.Leu1732Pro; replaces leucine 1732 with proline.
Molecular consequence: missense variant.
Genome position (GRCh38, 1-based): chr14:74,501,566, A>G on the plus strand (T>C on the coding strand, the complement: LTBP2 is on the minus strand). VCF-style: chr14-74501566-A-G. GRCh37 (hg19) VCF-style: chr14-74968269-A-G.
Other names: short protein forms L1732P.
Identifiers: ClinVar variation 2065096 (VCV002065096.4), dbSNP rs2506127732, ClinGen allele CA390382439.

ClinVar aggregate classification (germline): Uncertain significance (1 of 4 stars; one submission).

Submission:

Labcorp Genetics (formerly Invitae), Labcorp
Classification: Uncertain significance. Last evaluated: 2021-12-29. Review status: criteria provided, single submitter. Criteria: Invitae Variant Classification Sherloc (09022015). Collection method: clinical testing. Allele origin: germline.
Comment: In summary, the available evidence is currently insufficient to determine the role of this variant in disease. Therefore, it has been classified as a Variant of Uncertain Significance. Algorithms developed to predict the effect of missense changes on protein structure and function (SIFT, PolyPhen-2, Align-GVGD) all suggest that this variant is likely to be disruptive. This variant has not been reported in the literature in individuals affected with LTBP2-related conditions. This variant is not present in population databases (gnomAD no frequency). This sequence change replaces leucine, which is neutral and non-polar, with proline, which is neutral and non-polar, at codon 1732 of the LTBP2 protein (p.Leu1732Pro).